The following is an entry in ClinVar:

NM_004560.4(ROR2):c.256G>T (p.Ala86Ser)

Gene: ROR2 (receptor tyrosine kinase like orphan receptor 2; minus strand). Cytogenetic location: 9q22.31.
Variant type: single nucleotide variant.
Coding change: c.256G>T on transcript NM_004560.4 (MANE Select); coding-DNA position 256, G replaced by T.
Protein change: p.Ala86Ser; replaces alanine 86 with serine.
Molecular consequence: missense variant.
Genome position (GRCh38, 1-based): chr9:91,757,479, C>A on the plus strand (G>T on the coding strand, the complement: ROR2 is on the minus strand). VCF-style: chr9-91757479-C-A. GRCh37 (hg19) VCF-style: chr9-94519761-C-A.
Other names: c.256G>T, p.Ala86Ser (NM_001318204.2); short protein forms A86S.
Identifiers: ClinVar variation 1020338 (VCV001020338.9), dbSNP rs747477231, ClinGen allele CA5121076.

ClinVar aggregate classification (germline): Uncertain significance. Review status: criteria provided, multiple submitters, no conflicts (2 of 4 stars). 2 submissions from 2 submitters: Uncertain significance (2). Last evaluated 2024-03-30.

Conditions:
Brachydactyly type B1 (BDB1). Identifiers: Orphanet 572385, Orphanet 93383, MedGen C1862112, MONDO:0007220, OMIM 113000.
Autosomal recessive Robinow syndrome (RRS1). Also called: ROR2-Related Robinow Syndrome; ROBINOW SYNDROME, AUTOSOMAL RECESSIVE 1; COSTOVERTEBRAL SEGMENTATION DEFECT WITH MESOMELIA; COVESDEM SYNDROME. Identifiers: Orphanet 1507, Orphanet 97360, MedGen C5399974, MONDO:0009999, OMIM 268310.

Allele frequency attached by ClinVar (database versions not stated): gnomAD below 0.00001 and 0.00001; ExAC 0.00001; gnomAD exomes 0.00001.
gnomAD v4.1: 8 of 1,613,702 alleles (0.0005%); highest among the groups gnomAD compares: South Asian, 0.0077%; no homozygotes.

Submissions (2):

Fulgent Genetics
Classification: Uncertain significance for Brachydactyly type B1; Autosomal recessive Robinow syndrome. Last evaluated: 2024-03-30. Review status: criteria provided, single submitter. Criteria: ACMG Guidelines, 2015. Collection method: clinical testing. Allele origin: germline.

Labcorp Genetics (formerly Invitae), Labcorp
Classification: Uncertain significance. Last evaluated: 2022-07-11. Review status: criteria provided, single submitter. Criteria: Invitae Variant Classification Sherloc (09022015). Collection method: clinical testing. Allele origin: germline.
Comment: In summary, the available evidence is currently insufficient to determine the role of this variant in disease. Therefore, it has been classified as a Variant of Uncertain Significance. Advanced modeling of protein sequence and biophysical properties (such as structural, functional, and spatial information, amino acid conservation, physicochemical variation, residue mobility, and thermodynamic stability) performed at Invitae indicates that this missense variant is not expected to disrupt ROR2 protein function. ClinVar contains an entry for this variant (Variation ID: 1020338). This variant has not been reported in the literature in individuals affected with ROR2-related conditions. This variant is present in population databases (rs747477231, gnomAD 0.006%). This sequence change replaces alanine, which is neutral and non-polar, with serine, which is neutral and polar, at codon 86 of the ROR2 protein (p.Ala86Ser).